The following is an entry in ClinVar:

ClinVar aggregate classification (germline): Uncertain significance. Review status: criteria provided, multiple submitters, no conflicts (2 of 4 stars). 2 submissions from 2 submitters: Uncertain significance (2). Last evaluated 2023-08-11.

Conditions:
IGHMBP2-related disorder. Also called: IGHMBP2-related condition; IGHMBP2-related disorders.
Autosomal recessive distal spinal muscular atrophy 1. Also called: NEURONOPATHY, SEVERE INFANTILE AXONAL, WITH RESPIRATORY FAILURE; Spinal muscular atrophy with respiratory distress 1; NEURONOPATHY, DISTAL HEREDITARY MOTOR, HARDING TYPE VI; NEUROPATHY, DISTAL HEREDITARY MOTOR, AUTOSOMAL RECESSIVE 1; HMN VI; SEVERE INFANTILE AXONAL NEUROPATHY WITH RESPIRATORY FAILURE. Identifiers: Orphanet 98920, MedGen C1858517, MONDO:0011436, OMIM 604320.

Submissions (2):

3billion
Classification: Uncertain significance for Autosomal recessive distal spinal muscular atrophy 1. Last evaluated: 2023-08-11. Review status: criteria provided, single submitter. Criteria: ACMG Guidelines, 2015. Collection method: clinical testing. Allele origin: germline. Affected: yes.
Comment: The variant is not observed in the gnomAD v2.1.1 dataset. Predicted Consequence/Location: Missense variant In silico tool predictions suggest damaging effect of the variant on gene or gene product [REVEL: 0.70 (>=0.6, sensitivity 0.68 and specificity 0.92)]. Therefore, this variant is classified as VUS according to the recommendation of ACMG/AMP guideline.

PreventionGenetics, part of Exact Sciences
Classification: Uncertain significance for IGHMBP2-related condition. Last evaluated: 2022-11-09. Review status: criteria provided, single submitter. Criteria: ACMG Guidelines, 2015. Collection method: clinical testing. Allele origin: germline.
Comment: The IGHMBP2 c.1064C>A variant is predicted to result in the amino acid substitution p.Ala355Glu. To our knowledge, this variant has not been reported in the literature or in a large population database, indicating this variant is rare. At this time, the clinical significance of this variant is uncertain due to the absence of conclusive functional and genetic evidence.

NM_002180.3(IGHMBP2):c.1064C>A (p.Ala355Glu)

Gene: IGHMBP2 (immunoglobulin mu DNA binding protein 2; plus strand). Cytogenetic location: 11q13.3.
Variant type: single nucleotide variant.
Coding change: c.1064C>A on transcript NM_002180.3 (MANE Select); coding-DNA position 1064, C replaced by A.
Protein change: p.Ala355Glu; replaces alanine 355 with glutamic acid.
Molecular consequence: missense variant.
Genome position (GRCh38, 1-based): chr11:68,929,186, C>A. VCF-style: chr11-68929186-C-A. GRCh37 (hg19) VCF-style: chr11-68696654-C-A.
Other names: short protein forms A355E.
Identifiers: ClinVar variation 2635229 (VCV002635229.2), dbSNP rs142062146, ClinGen allele CA381647376.